The following is an entry in ClinVar:

ClinVar aggregate classification (germline): Conflicting classifications of pathogenicity. Review status: criteria provided, conflicting classifications (1 of 4 stars). 2 submissions from 2 submitters: Uncertain significance (1); Benign (1). Last evaluated 2026-04-01.

Allele frequency attached by ClinVar (database versions not stated): ESP Exome Variant Server 0.00032.
gnomAD v4.1: 329 of 1,609,098 alleles (0.02%); highest among the groups gnomAD compares: Middle Eastern, 0.036%; no homozygotes.

Submissions (2):

CeGaT Center for Human Genetics Tuebingen
Classification: Uncertain significance. Last evaluated: 2026-04-01. Review status: criteria provided, single submitter. Criteria: CeGaT Center For Human Genetics Tuebingen Variant Classification Criteria Version 2. Collection method: clinical testing. Allele origin: germline. Affected: yes. Observed: 1 variant allele.
Comment: SPEG: PM2

Labcorp Genetics (formerly Invitae), Labcorp
Classification: Benign. Last evaluated: 2026-01-27. Review status: criteria provided, single submitter. Criteria: Invitae Variant Classification Sherloc (09022015). Collection method: clinical testing. Allele origin: germline.

NM_005876.5(SPEG):c.8926C>A (p.Arg2976Ser)

Genes: ASIC4-AS1 (ASIC4 antisense RNA 1; minus strand), SPEG (striated muscle enriched protein kinase; plus strand). Cytogenetic location: 2q35.
Variant type: single nucleotide variant.
Coding change: c.8926C>A on transcript NM_005876.5 (MANE Select); coding-DNA position 8926, C replaced by A.
Protein change: p.Arg2976Ser; replaces arginine 2976 with serine.
Molecular consequence: missense variant.
Genome position (GRCh38, 1-based): chr2:219,490,413, C>A. VCF-style: chr2-219490413-C-A. GRCh37 (hg19) VCF-style: chr2-220355135-C-A.
Other names: short protein forms R2976S.
Identifiers: ClinVar variation 1599568 (VCV001599568.10), dbSNP rs200796349, ClinGen allele CA2127614.